The following is an entry in ClinVar:

NM_001385641.1(SAMD11):c.650C>T (p.Pro217Leu)

Gene: SAMD11 (sterile alpha motif domain containing 11; plus strand). Cytogenetic location: 1p36.33.
Variant type: single nucleotide variant.
Coding change: c.650C>T on transcript NM_001385641.1 (MANE Select); coding-DNA position 650, C replaced by T.
Protein change: p.Pro217Leu; replaces proline 217 with leucine.
Molecular consequence: missense variant.
Genome position (GRCh38, 1-based): chr1:930,195, C>T. VCF-style: chr1-930195-C-T. GRCh37 (hg19) VCF-style: chr1-865575-C-T.
Other names: c.650C>T, p.Pro217Leu (NM_001385640.1); c.113C>T, p.Pro38Leu (NM_152486.4); short protein forms P38L, P217L.
Identifiers: ClinVar variation 1354167 (VCV001354167.8), dbSNP rs143052291, ClinGen allele CA502424.

ClinVar aggregate classification (germline): Uncertain significance (1 of 4 stars; one submission).

Allele frequency attached by ClinVar (database versions not stated): gnomAD exomes below 0.00001 and 0.00001; ExAC 0.00004; ESP Exome Variant Server 0.00008.

Submission:

Labcorp Genetics (formerly Invitae), Labcorp
Classification: Uncertain significance. Last evaluated: 2022-07-26. Review status: criteria provided, single submitter. Criteria: Invitae Variant Classification Sherloc (09022015). Collection method: clinical testing. Allele origin: germline.
Comment: In summary, the available evidence is currently insufficient to determine the role of this variant in disease. Therefore, it has been classified as a Variant of Uncertain Significance. Algorithms developed to predict the effect of missense changes on protein structure and function are either unavailable or do not agree on the potential impact of this missense change (SIFT: "Tolerated"; PolyPhen-2: "Possibly Damaging"; Align-GVGD: "Class C0"). ClinVar contains an entry for this variant (Variation ID: 1354167). This variant has not been reported in the literature in individuals affected with SAMD11-related conditions. This variant is present in population databases (rs143052291, gnomAD 0.01%). This sequence change replaces proline, which is neutral and non-polar, with leucine, which is neutral and non-polar, at codon 38 of the SAMD11 protein (p.Pro38Leu).